The following is an entry in ClinVar:

ClinVar aggregate classification (germline): Uncertain significance (1 of 4 stars; one submission).

Conditions:
Intellectual disability. Also called: Intellectual functioning disability; intellectual disabilities; Intellectual developmental disorder. Identifiers: MedGen C3714756, MeSH D008607, MONDO:0001071, HP:0001249.

Allele frequency attached by ClinVar (database versions not stated): gnomAD 0.00001; TOPMed 0.00001.

Submission:

Labcorp Genetics (formerly Invitae), Labcorp
Classification: Uncertain significance for Intellectual disability. Last evaluated: 2023-01-16. Review status: criteria provided, single submitter. Criteria: Invitae Variant Classification Sherloc (09022015). Collection method: clinical testing. Allele origin: germline.
Comment: Variants that disrupt the consensus splice site are a relatively common cause of aberrant splicing (PMID: 17576681, 9536098). Algorithms developed to predict the effect of sequence changes on RNA splicing suggest that this variant is not likely to affect RNA splicing. In summary, the available evidence is currently insufficient to determine the role of this variant in disease. Therefore, it has been classified as a Variant of Uncertain Significance. This variant has not been reported in the literature in individuals affected with GABRB2-related conditions. This variant is not present in population databases (gnomAD no frequency). This sequence change falls in intron 6 of the GABRB2 gene. It does not directly change the encoded amino acid sequence of the GABRB2 protein. It affects a nucleotide within the consensus splice site.

Literature cited by the submitters: PubMed 17576681; PubMed 9536098.

NM_001371727.1(GABRB2):c.542-3C>A

Gene: GABRB2 (gamma-aminobutyric acid type A receptor subunit beta2; minus strand). Cytogenetic location: 5q34.
Variant type: single nucleotide variant.
Coding change: c.542-3C>A on transcript NM_001371727.1 (MANE Select); 3 bases into the intron before coding-DNA position 542, C replaced by A.
Molecular consequence: intron variant.
Genome position (GRCh38, 1-based): chr5:161,336,772, G>T on the plus strand (C>A on the coding strand, the complement: GABRB2 is on the minus strand). VCF-style: chr5-161336772-G-T. GRCh37 (hg19) VCF-style: chr5-160763779-G-T.
Other names: c.542-3C>A (NM_000813.3, NM_021911.3).
Identifiers: ClinVar variation 2826325 (VCV002826325.3), dbSNP rs1214599492, ClinGen allele CA806562473.